The following is an entry in ClinVar:

NM_001365276.2(TNXB):c.1976G>A (p.Arg659His)

Gene: TNXB (tenascin XB; minus strand). Cytogenetic location: 6p21.33.
Variant type: single nucleotide variant.
Coding change: c.1976G>A on transcript NM_001365276.2 (MANE Select); coding-DNA position 1976, G replaced by A.
Protein change: p.Arg659His; replaces arginine 659 with histidine.
Molecular consequence: missense variant.
Genome position (GRCh38, 1-based): chr6:32,095,877, C>T on the plus strand (G>A on the coding strand, the complement: TNXB is on the minus strand). VCF-style: chr6-32095877-C-T. GRCh37 (hg19) VCF-style: chr6-32063654-C-T.
Other names: c.1976G>A, p.Arg659His (NM_019105.8); short protein forms R659H.
Identifiers: ClinVar variation 1697029 (VCV001697029.2), dbSNP rs781597053, ClinGen allele CA3735577.
Genomic context (GRCh38, chr6:32,095,877, plus strand): 5'-CCGCAGTCCTCACCGCCATAGCCCACGTGGCACAGGCACACTCCTTGCACACACCGCCCA[C>T]GTCCCCGGCAGTCAGCCGGGCACATGCGGGTGGCACAGGTAGGGCCGGTGTAGCCTGGGT-3'
Protein context (NP_001352205.1, residues 649-669): TRMCPADCRG[Arg659His]GRCVQGVCLC

ClinVar aggregate classification (germline): Uncertain significance (1 of 4 stars; one submission).

gnomAD v4.1: 46 of 1,612,638 alleles (0.0029%); highest among the groups gnomAD compares: South Asian, 0.011%; 1 homozygote.

Submission:

GeneDx
Classification: Uncertain significance. Last evaluated: 2022-01-13. Review status: criteria provided, single submitter. Criteria: GeneDx Variant Classification Process June 2021. Collection method: clinical testing. Allele origin: germline. Affected: yes.
Comment: Has not been previously published as pathogenic or benign to our knowledge; Not observed at significant frequency in large population cohorts (gnomAD); In silico analysis supports that this missense variant has a deleterious effect on protein structure/function